The following is an entry in ClinVar:

ClinVar aggregate classification (germline): Uncertain significance (1 of 4 stars; one submission).

Conditions:
Jeune thoracic dystrophy. Also called: Jeune syndrome; Infantile thoracic dystrophy; Thoracic pelvic phalangeal dystrophy; Jeune's syndrome; Chondroectodermal dysplasia-like syndrome; Short-rib thoracic dysplasia. Identifiers: Orphanet 474, MedGen C0265275, MONDO:0018770.

Allele frequency attached by ClinVar (database versions not stated): gnomAD 0.00001; TOPMed 0.00001; ExAC 0.00002.
gnomAD v4.1: 2 of 1,613,496 alleles (0.00012%); highest among the groups gnomAD compares: African/African-American, 0.0027%; no homozygotes.

Submission:

Labcorp Genetics (formerly Invitae), Labcorp
Classification: Uncertain significance for Jeune thoracic dystrophy. Last evaluated: 2022-03-10. Review status: criteria provided, single submitter. Criteria: Invitae Variant Classification Sherloc (09022015). Collection method: clinical testing. Allele origin: germline.
Comment: This sequence change replaces serine, which is neutral and polar, with threonine, which is neutral and polar, at codon 766 of the IFT80 protein (p.Ser766Thr). In summary, the available evidence is currently insufficient to determine the role of this variant in disease. Therefore, it has been classified as a Variant of Uncertain Significance. Algorithms developed to predict the effect of missense changes on protein structure and function output the following: SIFT: "Tolerated"; PolyPhen-2: "Benign"; Align-GVGD: "Class C0". The threonine amino acid residue is found in multiple mammalian species, which suggests that this missense change does not adversely affect protein function. ClinVar contains an entry for this variant (Variation ID: 1057269). This variant has not been reported in the literature in individuals affected with IFT80-related conditions. The frequency data for this variant in the population databases is considered unreliable, as metrics indicate poor data quality at this position in the gnomAD database.

NM_020800.3(IFT80):c.2297G>C (p.Ser766Thr)

Genes: TRIM59-IFT80 (TRIM59-IFT80 readthrough (NMD candidate); minus strand), IFT80 (intraflagellar transport 80; minus strand). Cytogenetic location: 3q25.33.
Variant type: single nucleotide variant.
Coding change: c.2297G>C on transcript NM_020800.3 (MANE Select); coding-DNA position 2297, G replaced by C.
Protein change: p.Ser766Thr; replaces serine 766 with threonine.
Molecular consequence: missense variant. On other transcripts: non-coding transcript variant (3).
Genome position (GRCh38, 1-based): chr3:160,258,562, C>G on the plus strand (G>C on the coding strand, the complement: IFT80 is on the minus strand). VCF-style: chr3-160258562-C-G. GRCh37 (hg19) VCF-style: chr3-159976350-C-G.
Other names: c.1886G>C, p.Ser629Thr (NM_001190241.2, NM_001190242.2); short protein forms S629T, S766T.
Identifiers: ClinVar variation 1057269 (VCV001057269.9), dbSNP rs745522185, ClinGen allele CA2684914.
Genomic context (GRCh38, chr3:160,258,562, plus strand): 5'-TTTCTTAAAGATACGCATGGCATTTAGGGCTTTAAACCTATACTCTTGCTGGATTGGCTG[C>G]TTGATGATTGCTCTCTTTCTTTTGTAATTTCCATCTCAATTTTGGCTTTGATTTTCTCCC-3'
Protein context (NP_065851.1, residues 756-776): EITKEREQSS[Ser766Thr]SQSSKSIGLK